The following is an entry in ClinVar:

ClinVar aggregate classification (germline): Conflicting classifications of pathogenicity. Review status: criteria provided, conflicting classifications (1 of 4 stars). 3 submissions from 3 submitters: Uncertain significance (2); Likely benign (1). Last evaluated 2024-08-06.

Conditions:
Endometrial carcinoma. Also called: Endometrial carcinoma, somatic. Identifiers: MedGen C0476089, MONDO:0002447, OMIM 608089, HP:0012114.
Familial adenomatous polyposis 4 (FAP4). Also called: MSH3-related attenuated familial adenomatous polyposis. Identifiers: Orphanet 480536, MedGen C4310719, MONDO:0044300, OMIM 617100.
Hereditary cancer-predisposing syndrome. Also called: Neoplastic Syndromes, Hereditary; Hereditary Cancer Syndrome; Tumor predisposition; Hereditary neoplastic syndrome. Identifiers: Orphanet 140162, MedGen C0027672, MeSH D009386, MONDO:0015356.

Allele frequency attached by ClinVar (database versions not stated): gnomAD exomes below 0.00001; TOPMed below 0.00001; gnomAD 0.00001.
gnomAD v4.1: 3 of 1,597,020 alleles (0.00019%); highest among the groups gnomAD compares: Non-Finnish European, 0.00026%; no homozygotes.

Submissions (3):

Ambry Genetics
Classification: Uncertain significance for Hereditary cancer-predisposing syndrome. Last evaluated: 2024-08-06. Review status: criteria provided, single submitter. Criteria: Ambry Variant Classification Scheme 2023. Collection method: clinical testing. Allele origin: germline.
Comment: The c.1453+5A>C intronic variant results from an A to C substitution 5 nucleotides after coding exon 9 in the MSH3 gene. This nucleotide position is not well conserved in available vertebrate species. In silico splice site analysis predicts that this alteration will not have any significant effect on splicing. Since supporting evidence is limited at this time, the clinical significance of this alteration remains unclear.

Labcorp Genetics (formerly Invitae), Labcorp
Classification: Likely benign. Last evaluated: 2024-05-14. Review status: criteria provided, single submitter. Criteria: Invitae Variant Classification Sherloc (09022015). Collection method: clinical testing. Allele origin: germline.

Fulgent Genetics
Classification: Uncertain significance for Endometrial carcinoma; Familial adenomatous polyposis 4. Last evaluated: 2021-09-24. Review status: criteria provided, single submitter. Criteria: ACMG Guidelines, 2015. Collection method: clinical testing. Allele origin: unknown.

NM_002439.5(MSH3):c.1453+5A>C

Gene: MSH3 (mutS homolog 3; plus strand). Cytogenetic location: 5q14.1.
Variant type: single nucleotide variant.
Coding change: c.1453+5A>C on transcript NM_002439.5 (MANE Select); 5 bases into the intron after coding-DNA position 1453, A replaced by C.
Molecular consequence: intron variant.
Genome position (GRCh38, 1-based): chr5:80,725,570, A>C. VCF-style: chr5-80725570-A-C. GRCh37 (hg19) VCF-style: chr5-80021389-A-C.
Identifiers: ClinVar variation 946224 (VCV000946224.14), dbSNP rs1743273324, ClinGen allele CA1077983564.
Genomic context (GRCh38, chr5:80,725,570, plus strand): 5'-CCATGCTTTCCAGGCAGTTACAGAGTTTTATGCAAAAGATACAGTTGACATCAAAGGTAA[A>C]TATTTTCCCTGTATGTCCTCAAGTTGAACTGATTTGAAATTTGGATAAAGGTATTAGTAT-3'